The following is an entry in ClinVar:

NM_001002294.3(FMO3):c.682G>A (p.Gly228Ser)

Gene: FMO3 (flavin containing dimethylaniline monoxygenase 3; plus strand). Cytogenetic location: 1q24.3.
Variant type: single nucleotide variant.
Coding change: c.682G>A on transcript NM_001002294.3 (MANE Select); coding-DNA position 682, G replaced by A.
Protein change: p.Gly228Ser; replaces glycine 228 with serine.
Molecular consequence: missense variant.
Genome position (GRCh38, 1-based): chr1:171,110,852, G>A. VCF-style: chr1-171110852-G-A. GRCh37 (hg19) VCF-style: chr1-171079993-G-A.
Other names: c.622G>A, p.Gly208Ser (NM_001319173.2); c.493G>A, p.Gly165Ser (NM_001319174.2); c.682G>A, p.Gly228Ser (NM_006894.6); short protein forms G208S, G228S, G165S.
Identifiers: ClinVar variation 4526110 (VCV004526110.2).

ClinVar aggregate classification (germline): Uncertain significance. Review status: criteria provided, multiple submitters, no conflicts (2 of 4 stars). 2 submissions from 2 submitters: Uncertain significance (2). Last evaluated 2025-11-26.

Conditions:
Trimethylaminuria (TMAU). Also called: FISH-ODOR SYNDROME; Fish malodor syndrome; Stale fish syndrome; TMAuria; Primary Trimethylaminuria. Identifiers: MedGen C0342739, MONDO:0011182, OMIM 602079, HP:0003614. Disease mechanism: loss of function.

Submissions (2):

Myriad Genetics, Inc.
Classification: Uncertain significance for Trimethylaminuria. Last evaluated: 2025-11-26. Review status: criteria provided, single submitter. Criteria: Myriad Autosomal Dominant, Autosomal Recessive and X-Linked Classification Criteria (2023). Collection method: clinical testing. Allele origin: unknown.
Comment: NM_001002294.2(FMO3):c.682G>A(G228S) is a missense variant classified as a variant of uncertain significance in the context of primary trimethylaminuria. G228S has been observed in a case with relevant disease (PMID: 31240165). Relevant functional assessments of this variant are not available in the literature. G228S has not been observed in referenced population frequency databases. In summary, there is insufficient evidence to classify NM_001002294.2(FMO3):c.682G>A(G228S) as pathogenic or benign. Please note: this variant was assessed in the context of healthy population screening.

Women's Health and Genetics/Laboratory Corporation of America, LabCorp
Classification: Uncertain significance. Last evaluated: 2025-07-07. Review status: criteria provided, single submitter. Criteria: LabCorp Variant Classification Summary - May 2015. Collection method: clinical testing. Allele origin: germline.
Comment: Variant summary: FMO3 c.682G>A (p.Gly228Ser) results in a non-conservative amino acid change in the encoded protein sequence. Algorithms developed to predict the effect of missense changes on protein structure and function all suggest that this variant is likely to be disruptive. The variant was absent in 251264 control chromosomes. The available data on variant occurrences in the general population are insufficient to allow any conclusion about variant significance. c.682G>A has been observed in one individual affected with Trimethylaminuria (Doyle_2019). These data do not allow any conclusion about variant significance. To our knowledge, no experimental evidence demonstrating an impact on protein function has been reported. The following publication has been ascertained in the context of this evaluation (PMID: 31240165). No submitters have cited clinical-significance assessments for this variant to ClinVar. Based on the evidence outlined above, the variant was classified as uncertain significance.

Literature cited by the submitters: PubMed 31240165 (cited by Myriad Genetics, Inc. and Women's Health and Genetics/Laboratory Corporation of America, LabCorp).